The following is an entry in ClinVar:

NM_003978.5(PSTPIP1):c.748G>C (p.Glu250Gln)

Gene: PSTPIP1 (proline-serine-threonine phosphatase interacting protein 1; plus strand). Cytogenetic location: 15q24.3.
Variant type: single nucleotide variant.
Coding change: c.748G>C on transcript NM_003978.5 (MANE Select); coding-DNA position 748, G replaced by C.
Protein change: p.Glu250Gln; replaces glutamic acid 250 with glutamine.
Molecular consequence: missense variant.
Genome position (GRCh38, 1-based): chr15:77,032,304, G>C. VCF-style: chr15-77032304-G-C. GRCh37 (hg19) VCF-style: chr15-77324645-G-C.
Other names: c.748G>C, p.Glu250Gln (NM_001321135.2, LRG_172t1); c.721G>C, p.Glu241Gln (NM_001321136.2); c.943G>C, p.Glu315Gln (NM_001321137.1); short protein forms E250Q, E241Q, E315Q.
Identifiers: ClinVar variation 4434 (VCV000004434.5), dbSNP rs28939089, ClinGen allele CA116853.
Genomic context (GRCh38, chr15:77,032,304, plus strand): 5'-CACAGAGGGGCAGAGTGGGCATCGGGCTGCGGCCTCTGCTCTTTCCTGCCCCAGCTCTAC[G>C]AGGAAGTGCGGCTGACGCTGGAAGGCTGCAGCATAGACGCCGACATCGACAGTTTCATCC-3'
Protein context (NP_003969.2, residues 240-260): MQCVKDDELY[Glu250Gln]EVRLTLEGCS

ClinVar aggregate classification (germline): Pathogenic. Review status: criteria provided, single submitter (1 of 4 stars). 2 submissions from 2 submitters: Pathogenic (1). 1 of the submissions does not count toward it. Last evaluated 2023-08-31.

Conditions:
Pyogenic arthritis-pyoderma gangrenosum-acne syndrome (PAPA). Also called: FAMILIAL RECURRENT ARTHRITIS; PAPA SYNDROME. Identifiers: Orphanet 69126, MedGen C1858361, MONDO:0011462, OMIM 604416.

Submissions (2):

Labcorp Genetics (formerly Invitae), Labcorp
Classification: Pathogenic for Pyogenic arthritis-pyoderma gangrenosum-acne syndrome. Last evaluated: 2023-08-31. Review status: criteria provided, single submitter. Criteria: Invitae Variant Classification Sherloc (09022015). Collection method: clinical testing. Allele origin: germline.
Comment: This sequence change replaces glutamic acid, which is acidic and polar, with glutamine, which is neutral and polar, at codon 250 of the PSTPIP1 protein (p.Glu250Gln). This variant is not present in population databases (gnomAD no frequency). For these reasons, this variant has been classified as Pathogenic. This variant disrupts the p.Glu250 amino acid residue in PSTPIP1. Other variant(s) that disrupt this residue have been determined to be pathogenic (PMID: 22161697, 22513199, 25845478, 26025129; Invitae). This suggests that this residue is clinically significant, and that variants that disrupt this residue are likely to be disease-causing. Experimental studies have shown that this missense change affects PSTPIP1 function (PMID: 11971877). Advanced modeling of protein sequence and biophysical properties (such as structural, functional, and spatial information, amino acid conservation, physicochemical variation, residue mobility, and thermodynamic stability) performed at Invitae indicates that this missense variant is expected to disrupt PSTPIP1 protein function. ClinVar contains an entry for this variant (Variation ID: 4434). This missense change has been observed in individual(s) with PAPA syndrome (PMID: 11971877, 16527883, 20506269, 22161697). It has also been observed to segregate with disease in related individuals.

OMIM
Classification: Pathogenic for PYOGENIC STERILE ARTHRITIS, PYODERMA GANGRENOSUM, AND ACNE. Last evaluated: 2002-04-15. Review status: no assertion criteria provided. Collection method: literature only. Allele origin: germline. Not counted in ClinVar's aggregate classification.

Literature cited by the submitters: PubMed 22161697 (cited by Labcorp Genetics (formerly Invitae), Labcorp and OMIM); PubMed 22513199 (cited by Labcorp Genetics (formerly Invitae), Labcorp); PubMed 25845478 (cited by Labcorp Genetics (formerly Invitae), Labcorp); PubMed 26025129 (cited by Labcorp Genetics (formerly Invitae), Labcorp); PubMed 11971877 (cited by Labcorp Genetics (formerly Invitae), Labcorp and OMIM); PubMed 16527883 (cited by Labcorp Genetics (formerly Invitae), Labcorp); PubMed 20506269 (cited by Labcorp Genetics (formerly Invitae), Labcorp).